The following is an entry in ClinVar:

NM_000123.4(ERCC5):c.3238G>C (p.Gly1080Arg)

Genes: BIVM-ERCC5 (BIVM-ERCC5 readthrough; plus strand), ERCC5 (ERCC excision repair 5, endonuclease; plus strand). Cytogenetic location: 13q33.1.
Variant type: single nucleotide variant.
Coding change: c.3238G>C on transcript NM_000123.4 (MANE Select); coding-DNA position 3238, G replaced by C.
Protein change: p.Gly1080Arg; replaces glycine 1080 with arginine.
Molecular consequence: missense variant.
Genome position (GRCh38, 1-based): chr13:102,875,580, G>C. VCF-style: chr13-102875580-G-C. GRCh37 (hg19) VCF-style: chr13-103527930-G-C.
Other names: c.4600G>C, p.Gly1534Arg (NM_001204425.2); short protein forms G1080R, G1534R.
Identifiers: ClinVar variation 134173 (VCV000134173.11), dbSNP rs9514067, ClinGen allele CA158994.

ClinVar aggregate classification (germline): Benign. Review status: criteria provided, multiple submitters, no conflicts (2 of 4 stars). 4 submissions from 4 submitters: Benign (3). 1 of the submissions does not count toward it. Last evaluated 2026-02-04.

Allele frequency attached by ClinVar (database versions not stated): 1000 Genomes Project 30x 0.99688; 1000 Genomes Project 0.99720; ESP Exome Variant Server 0.99746; TOPMed 0.99779.
gnomAD v4.1: 1,612,514 of 1,613,176 alleles (100%); highest among the groups gnomAD compares: Middle Eastern, 100%; 805,928 homozygotes.

Submissions (4):

Labcorp Genetics (formerly Invitae), Labcorp
Classification: Benign. Last evaluated: 2026-02-04. Review status: criteria provided, single submitter. Criteria: Invitae Variant Classification Sherloc (09022015). Collection method: clinical testing. Allele origin: germline.

Blueprint Genetics
Classification: Benign. Last evaluated: 2024-11-27. Review status: criteria provided, single submitter. Criteria: ACMG Guidelines, 2015. Collection method: clinical testing. Allele origin: germline.

Breakthrough Genomics
Classification: Benign. Review status: criteria provided, single submitter. Criteria: ACMG Guidelines, 2015. Collection method: not provided. Allele origin: germline. Inheritance: Autosomal recessive inheritance. Affected: yes.

ITMI
No classification provided. Condition: AllHighlyPenetrant. Last evaluated: 2013-09-19. Review status: no classification provided. Collection method: reference population. Allele origin: germline. Not counted in ClinVar's aggregate classification.
Comment: Please see associated publication for description of ethnicities

Literature cited by the submitters: PubMed 24728327 (cited by ITMI).